The following is an entry in ClinVar:

NM_198428.3(BBS9):c.938A>C (p.His313Pro)

Gene: BBS9 (Bardet-Biedl syndrome 9; plus strand). Cytogenetic location: 7p14.3.
Variant type: single nucleotide variant.
Coding change: c.938A>C on transcript NM_198428.3 (MANE Select); coding-DNA position 938, A replaced by C.
Protein change: p.His313Pro; replaces histidine 313 with proline.
Molecular consequence: missense variant. On other transcripts: non-coding transcript variant (3).
Genome position (GRCh38, 1-based): chr7:33,273,878, A>C. VCF-style: chr7-33273878-A-C. GRCh37 (hg19) VCF-style: chr7-33313490-A-C.
Other names: c.938A>C, p.His313Pro (NM_001033604.2, NM_001033605.2, NM_001348036.1 and 5 more transcripts); c.572A>C, p.His191Pro (NM_001348037.3, NM_001348044.3, NM_001348045.3 and 1 more transcripts); c.665A>C, p.His222Pro (NM_001348038.3, NM_001348039.3); c.803A>C, p.His268Pro (NM_001348042.3); short protein forms H191P, H222P, H268P, H313P.
Identifiers: ClinVar variation 1018245 (VCV001018245.8), dbSNP rs533714503, ClinGen allele CA367254957.

ClinVar aggregate classification (germline): Uncertain significance (1 of 4 stars; one submission).

Conditions:
Bardet-Biedl syndrome (BBS). Identifiers: Orphanet 110, MedGen C0752166, MONDO:0015229.

gnomAD v4.1: 2 of 1,610,164 alleles (0.00012%); highest among the groups gnomAD compares: Non-Finnish European, 0.00017%; no homozygotes.

Submission:

Labcorp Genetics (formerly Invitae), Labcorp
Classification: Uncertain significance for Bardet-Biedl syndrome. Last evaluated: 2022-02-01. Review status: criteria provided, single submitter. Criteria: Invitae Variant Classification Sherloc (09022015). Collection method: clinical testing. Allele origin: germline.
Comment: In summary, the available evidence is currently insufficient to determine the role of this variant in disease. Therefore, it has been classified as a Variant of Uncertain Significance. Algorithms developed to predict the effect of missense changes on protein structure and function are either unavailable or do not agree on the potential impact of this missense change (SIFT: "Deleterious"; PolyPhen-2: "Benign"; Align-GVGD: "Class C65"). ClinVar contains an entry for this variant (Variation ID: 1018245). This variant has not been reported in the literature in individuals affected with BBS9-related conditions. This variant is not present in population databases (gnomAD no frequency). This sequence change replaces histidine, which is basic and polar, with proline, which is neutral and non-polar, at codon 313 of the BBS9 protein (p.His313Pro).